The following is an entry in ClinVar:

NM_020937.4(FANCM):c.2284A>G (p.Met762Val)

Gene: FANCM (FA complementation group M; plus strand). Cytogenetic location: 14q21.2.
Variant type: single nucleotide variant.
Coding change: c.2284A>G on transcript NM_020937.4 (MANE Select); coding-DNA position 2284, A replaced by G.
Protein change: p.Met762Val; replaces methionine 762 with valine.
Molecular consequence: missense variant.
Genome position (GRCh38, 1-based): chr14:45,173,178, A>G. VCF-style: chr14-45173178-A-G. GRCh37 (hg19) VCF-style: chr14-45642381-A-G.
Other names: c.2284A>G (LRG_502t1); c.2206A>G, p.Met736Val (NM_001308133.2); short protein forms M736V, M762V.
Identifiers: ClinVar variation 656342 (VCV000656342.11), dbSNP rs746984040, ClinGen allele CA7169308.

ClinVar aggregate classification (germline): Uncertain significance. Review status: criteria provided, multiple submitters, no conflicts (2 of 4 stars). 2 submissions from 2 submitters: Uncertain significance (2). Last evaluated 2025-01-18.

Conditions:
Fanconi anemia (FA). Also called: Fanconi's anemia. Identifiers: Orphanet 84, MedGen C0015625, MeSH D005199, MONDO:0019391.
Inborn genetic diseases. Identifiers: MedGen C0950123, MeSH D030342.

Allele frequency attached by ClinVar (database versions not stated): gnomAD below 0.00001 and 0.00001; ExAC 0.00001; gnomAD exomes 0.00001.
gnomAD v4.1: 11 of 1,613,812 alleles (0.00068%); highest among the groups gnomAD compares: South Asian, 0.011%; no homozygotes.

Submissions (2):

Ambry Genetics
Classification: Uncertain significance for Inborn genetic diseases. Last evaluated: 2025-01-18. Review status: criteria provided, single submitter. Criteria: Ambry Variant Classification Scheme 2023. Collection method: clinical testing. Allele origin: germline.
Comment: The p.M762V variant (also known as c.2284A>G), located in coding exon 13 of the FANCM gene, results from an A to G substitution at nucleotide position 2284. The methionine at codon 762 is replaced by valine, an amino acid with highly similar properties. This amino acid position is conserved. In addition, this alteration is predicted to be tolerated by in silico analysis. Based on the available evidence, the clinical significance of this variant remains unclear.

Labcorp Genetics (formerly Invitae), Labcorp
Classification: Uncertain significance for Fanconi anemia. Last evaluated: 2024-09-18. Review status: criteria provided, single submitter. Criteria: Invitae Variant Classification Sherloc (09022015). Collection method: clinical testing. Allele origin: germline.
Comment: This sequence change replaces methionine, which is neutral and non-polar, with valine, which is neutral and non-polar, at codon 762 of the FANCM protein (p.Met762Val). This variant is present in population databases (rs746984040, gnomAD 0.01%). This variant has not been reported in the literature in individuals affected with FANCM-related conditions. ClinVar contains an entry for this variant (Variation ID: 656342). An algorithm developed to predict the effect of missense changes on protein structure and function outputs the following: PolyPhen-2: "Benign". The valine amino acid residue is found in multiple mammalian species, which suggests that this missense change does not adversely affect protein function. In summary, the available evidence is currently insufficient to determine the role of this variant in disease. Therefore, it has been classified as a Variant of Uncertain Significance.